The following is an entry in ClinVar:

NM_000088.4(COL1A1):c.*744C>T

Gene: COL1A1 (collagen type I alpha 1 chain; minus strand). Cytogenetic location: 17q21.33.
Variant type: single nucleotide variant.
Coding change: c.*744C>T on transcript NM_000088.4 (MANE Select); 744 bases downstream of the stop codon, C replaced by T.
Molecular consequence: 3 prime UTR variant.
Genome position (GRCh38, 1-based): chr17:50,184,758, G>A on the plus strand (C>T on the coding strand, the complement: COL1A1 is on the minus strand). VCF-style: chr17-50184758-G-A. GRCh37 (hg19) VCF-style: chr17-48262119-G-A.
Identifiers: ClinVar variation 324072 (VCV000324072.9), dbSNP rs1061947, ClinGen allele CA10646173.

ClinVar aggregate classification (germline): Benign. Review status: criteria provided, multiple submitters, no conflicts (2 of 4 stars). 5 submissions from 3 submitters: Benign (5). Last evaluated 2021-05-10.

Conditions:
Osteogenesis imperfecta (OI). Identifiers: Orphanet 666, MedGen C0029434, MeSH D010013, MONDO:0019019.
Infantile cortical hyperostosis. Also called: P1PK BLOOD GROUP SYSTEM, P(2) PHENOTYPE; Hyperostosis, Cortical, Congenital; Caffey Disease. Identifiers: Orphanet 1310, MedGen C0020497, MONDO:0007244, OMIM 114000.
Ehlers-Danlos syndrome, arthrochalasia type. Also called: ARTHROCHALASIS MULTIPLEX CONGENITA; EDS VII, MUTANT PROCOLLAGEN TYPE; EDS VIIA; Ehlers-Danlos syndrome, arthrochalasia type, 1; Ehlers-Danlos syndrome, arthrochalasis type. Identifiers: Orphanet 1899, Orphanet 99875, Orphanet 99876, MedGen C4551623, MONDO:0007525, OMIM 130060.

Allele frequency attached by ClinVar (database versions not stated): 1000 Genomes Project 0.13119; 1000 Genomes Project 30x 0.13367; gnomAD 0.15694 and 0.15959; gnomAD exomes 0.13987; TOPMed 0.15522.

Submissions (5):

GeneDx
Classification: Benign. Last evaluated: 2021-05-10. Review status: criteria provided, single submitter. Criteria: GeneDx Variant Classification Process June 2021. Collection method: clinical testing. Allele origin: germline. Affected: yes.

Illumina Laboratory Services, Illumina
Classification: Benign for Ehlers-Danlos syndrome, arthrochalasia type. Last evaluated: 2018-01-13. Review status: criteria provided, single submitter. Criteria: ICSL Variant Classification Criteria 13 December 2019. Collection method: clinical testing. Allele origin: germline.
Comment: This variant was observed in the ICSL laboratory as part of a predisposition screen in an ostensibly healthy population. It had not been previously curated by ICSL or reported in the Human Gene Mutation Database (HGMD: prior to June 1st, 2018), and was therefore a candidate for classification through an automated scoring system. Utilizing variant allele frequency, disease prevalence and penetrance estimates, and inheritance mode, an automated score was calculated to assess if this variant is too frequent to cause the disease. Based on the score and internal cut-off values, a variant classified as benign is not then subjected to further curation. The score for this variant resulted in a classification of benign for this disease.

Illumina Laboratory Services, Illumina
Classification: Benign for Infantile cortical hyperostosis. Last evaluated: 2018-01-13. Review status: criteria provided, single submitter. Criteria: ICSL Variant Classification Criteria 13 December 2019. Collection method: clinical testing. Allele origin: germline.
Comment: the same text as in the submission from Illumina Laboratory Services, Illumina above.

Illumina Laboratory Services, Illumina
Classification: Benign for Osteogenesis imperfecta. Last evaluated: 2018-01-13. Review status: criteria provided, single submitter. Criteria: ICSL Variant Classification Criteria 13 December 2019. Collection method: clinical testing. Allele origin: germline.
Comment: the same text as in the submission from Illumina Laboratory Services, Illumina above.

Breakthrough Genomics
Classification: Benign. Review status: criteria provided, single submitter. Criteria: ACMG Guidelines, 2015. Collection method: not provided. Allele origin: germline. Inheritance: Autosomal dominant inheritance. Affected: yes.